The following is an entry in ClinVar:

ClinVar aggregate classification (germline): Benign/Likely benign. Review status: criteria provided, multiple submitters, no conflicts (2 of 4 stars). 5 submissions from 5 submitters: Benign (3); Likely benign (2). Last evaluated 2026-09-01.

Conditions:
CDT1-related disorder. Also called: CDT1-related condition.

Allele frequency attached by ClinVar (database versions not stated): gnomAD exomes 0.00097 and 0.00034; ExAC 0.00142; ESP Exome Variant Server 0.00341; gnomAD 0.00397 and 0.00417; TOPMed 0.00433; 1000 Genomes Project 0.00459; 1000 Genomes Project 30x 0.00547.
gnomAD v4.1: 1,108 of 1,593,326 alleles (0.07%); highest among the groups gnomAD compares: African/African-American, 1.3%; 7 homozygotes.

Submissions (5):

CeGaT Center for Human Genetics Tuebingen
Classification: Likely benign. Last evaluated: 2026-09-01. Review status: criteria provided, single submitter. Criteria: CeGaT Center For Human Genetics Tuebingen Variant Classification Criteria Version 2. Collection method: clinical testing. Allele origin: germline. Affected: yes. Observed: 2 variant alleles.
Comment: CDT1: BP4, BP7, BS1

Labcorp Genetics (formerly Invitae), Labcorp
Classification: Benign. Last evaluated: 2025-12-20. Review status: criteria provided, single submitter. Criteria: Invitae Variant Classification Sherloc (09022015). Collection method: clinical testing. Allele origin: germline.

PreventionGenetics, part of Exact Sciences
Classification: Benign for CDT1-related condition. Last evaluated: 2025-12-13. Review status: criteria provided, single submitter. Criteria: ACMG Guidelines, 2015. Collection method: clinical testing. Allele origin: germline.
Comment: This variant is classified as benign based on ACMG/AMP sequence variant interpretation guidelines (Richards et al. 2015 PMID: 25741868, with internal and published modifications).

Blueprint Genetics
Classification: Likely benign. Last evaluated: 2024-07-04. Review status: criteria provided, single submitter. Criteria: ACMG Guidelines, 2015. Collection method: clinical testing. Allele origin: germline.

Breakthrough Genomics
Classification: Benign. Review status: criteria provided, single submitter. Criteria: ACMG Guidelines, 2015. Collection method: not provided. Allele origin: germline. Inheritance: Autosomal recessive inheritance. Affected: yes.

NM_030928.4(CDT1):c.465C>T (p.Ala155=)

Gene: CDT1 (chromatin licensing and DNA replication factor 1; plus strand). Cytogenetic location: 16q24.3.
Variant type: single nucleotide variant.
Coding change: c.465C>T on transcript NM_030928.4 (MANE Select); coding-DNA position 465, C replaced by T.
Protein change: p.Ala155=; no amino-acid change (alanine 155 retained).
Molecular consequence: synonymous variant.
Genome position (GRCh38, 1-based): chr16:88,804,875, C>T. VCF-style: chr16-88804875-C-T. GRCh37 (hg19) VCF-style: chr16-88871283-C-T.
Identifiers: ClinVar variation 788312 (VCV000788312.21), dbSNP rs202089169, ClinGen allele CA8233645.
Genomic context (GRCh38, chr16:88,804,875, plus strand): 5'-AAGAGTCCGGGCGCTGAAGGCCAGTGCCCAGGATGCTGGGGAGTCCTGCACCCCAGAGGC[C>T]GAGGGCCGCCCTGAGGAGCCATGGTGAGTGCTGGGTGGGCGGCCACGAGGCCCCGGCAAA-3'
Protein context (NP_112190.2, residues 145-165): QDAGESCTPE[Ala155=]EGRPEEPCGE